The following is an entry in ClinVar:

ClinVar aggregate classification (germline): Uncertain significance (1 of 4 stars; one submission).

Conditions:
Inborn genetic diseases. Identifiers: MedGen C0950123, MeSH D030342.

Submission:

Ambry Genetics
Classification: Uncertain significance for Inborn genetic diseases. Last evaluated: 2024-03-15. Review status: criteria provided, single submitter. Criteria: Ambry Variant Classification Scheme 2023. Collection method: clinical testing. Allele origin: germline.
Comment: The p.C466W variant (also known as c.1398C>G), located in coding exon 10 of the ACD gene, results from a C to G substitution at nucleotide position 1398. The cysteine at codon 466 is replaced by tryptophan, an amino acid with highly dissimilar properties. This amino acid position is conserved. In addition, this alteration is predicted to be tolerated by in silico analysis. Based on the available evidence, the clinical significance of this alteration remains unclear.

NM_001082486.2(ACD):c.1140C>G (p.Cys380Trp)

Gene: ACD (ACD shelterin complex subunit and telomerase recruitment factor; minus strand). Cytogenetic location: 16q22.1.
Variant type: single nucleotide variant.
Coding change: c.1140C>G on transcript NM_001082486.2 (MANE Select); coding-DNA position 1140, C replaced by G.
Protein change: p.Cys380Trp; replaces cysteine 380 with tryptophan.
Molecular consequence: missense variant.
Genome position (GRCh38, 1-based): chr16:67,658,052, G>C on the plus strand (C>G on the coding strand, the complement: ACD is on the minus strand). VCF-style: chr16-67658052-G-C. GRCh37 (hg19) VCF-style: chr16-67691955-G-C.
Other names: c.1053C>G, p.Cys351Trp (NM_001410884.1); c.1131C>G, p.Cys377Trp (NM_022914.3); short protein forms C377W, C380W, C351W.
Identifiers: ClinVar variation 3261510 (VCV003261510.1).